The following is an entry in ClinVar:

NM_003659.4(AGPS):c.1704G>A (p.Thr568=)

Gene: AGPS (alkylglycerone phosphate synthase; plus strand). Cytogenetic location: 2q31.2.
Variant type: single nucleotide variant.
Coding change: c.1704G>A on transcript NM_003659.4 (MANE Select); coding-DNA position 1704, G replaced by A.
Protein change: p.Thr568=; no amino-acid change (threonine 568 retained).
Molecular consequence: synonymous variant.
Genome position (GRCh38, 1-based): chr2:177,521,275, G>A. VCF-style: chr2-177521275-G-A. GRCh37 (hg19) VCF-style: chr2-178386003-G-A.
Identifiers: ClinVar variation 559044 (VCV000559044.29), dbSNP rs36052691, ClinGen allele CA1980416.

ClinVar aggregate classification (germline): Benign. Review status: criteria provided, multiple submitters, no conflicts (2 of 4 stars). 6 submissions from 6 submitters: Benign (5). 1 of the submissions does not count toward it. Last evaluated 2026-01-28.

Conditions:
Rhizomelic chondrodysplasia punctata type 3 (RCDP3). Also called: ALKYLDIHYDROXYACETONEPHOSPHATE SYNTHASE DEFICIENCY; Alkylglycerone Phosphate Synthase (AGPS) deficiency. Identifiers: Orphanet 177, Orphanet 309803, MedGen C1838612, MONDO:0010823, OMIM 600121. Disease mechanism: loss of function.

Allele frequency attached by ClinVar (database versions not stated): gnomAD exomes 0.00065 and 0.00165; ExAC 0.00214; gnomAD 0.00662 and 0.00710; ESP Exome Variant Server 0.00707; TOPMed 0.00723; 1000 Genomes Project 30x 0.00734; 1000 Genomes Project 0.00759.
gnomAD v4.1: 1,992 of 1,613,836 alleles (0.12%); highest among the groups gnomAD compares: African/African-American, 2.2%; 16 homozygotes.

Submissions (6):

Labcorp Genetics (formerly Invitae), Labcorp
Classification: Benign. Last evaluated: 2026-01-28. Review status: criteria provided, single submitter. Criteria: Invitae Variant Classification Sherloc (09022015). Collection method: clinical testing. Allele origin: germline.

ARUP Laboratories, Molecular Genetics and Genomics, ARUP Laboratories
Classification: Benign for Rhizomelic chondrodysplasia punctata type 3. Last evaluated: 2020-08-24. Review status: criteria provided, single submitter. Criteria: ARUP Molecular Germline Variant Investigation Process. Collection method: clinical testing. Allele origin: germline.

GeneDx
Classification: Benign. Last evaluated: 2018-08-15. Review status: criteria provided, single submitter. Criteria: GeneDx Variant Classification Process June 2021. Collection method: clinical testing. Allele origin: germline. Affected: yes.

Illumina Laboratory Services, Illumina
Classification: Benign for Rhizomelic chondrodysplasia punctata type 3. Last evaluated: 2018-01-12. Review status: criteria provided, single submitter. Criteria: ICSL Variant Classification Criteria 13 December 2019. Collection method: clinical testing. Allele origin: germline.
Comment: This variant was observed in the ICSL laboratory as part of a predisposition screen in an ostensibly healthy population. It had not been previously curated by ICSL or reported in the Human Gene Mutation Database (HGMD: prior to June 1st, 2018), and was therefore a candidate for classification through an automated scoring system. Utilizing variant allele frequency, disease prevalence and penetrance estimates, and inheritance mode, an automated score was calculated to assess if this variant is too frequent to cause the disease. Based on the score and internal cut-off values, a variant classified as benign is not then subjected to further curation. The score for this variant resulted in a classification of benign for this disease.

Breakthrough Genomics
Classification: Benign. Review status: criteria provided, single submitter. Criteria: ACMG Guidelines, 2015. Collection method: not provided. Allele origin: germline. Inheritance: Autosomal recessive inheritance. Affected: yes.

Mayo Clinic Laboratories, Mayo Clinic
Classification: Benign. Last evaluated: 2016-10-14. Review status: no assertion criteria provided. Collection method: clinical testing. Allele origin: unknown. Not counted in ClinVar's aggregate classification.